The following is an entry in ClinVar:

ClinVar aggregate classification (germline): Uncertain significance (1 of 4 stars; one submission).

Conditions:
Oxoglutaricaciduria. Identifiers: Orphanet 31, MedGen C2752074, MONDO:0008759, OMIM 203740.

Allele frequency attached by ClinVar (database versions not stated): gnomAD exomes below 0.00001.
gnomAD v4.1: 1 of 1,614,158 alleles (0.000062%); highest among the groups gnomAD compares: Middle Eastern, 0.016%; no homozygotes.

Submission:

Labcorp Genetics (formerly Invitae), Labcorp
Classification: Uncertain significance for Oxoglutaricaciduria. Last evaluated: 2023-07-10. Review status: criteria provided, single submitter. Criteria: Invitae Variant Classification Sherloc (09022015). Collection method: clinical testing. Allele origin: germline.
Comment: Algorithms developed to predict the effect of missense changes on protein structure and function output the following: SIFT: "Not Available"; PolyPhen-2: "Benign"; Align-GVGD: "Not Available". The aspartic acid amino acid residue is found in multiple mammalian species, which suggests that this missense change does not adversely affect protein function. In summary, the available evidence is currently insufficient to determine the role of this variant in disease. Therefore, it has been classified as a Variant of Uncertain Significance. ClinVar contains an entry for this variant (Variation ID: 1388894). This variant has not been reported in the literature in individuals affected with OGDH-related conditions. This variant is not present in population databases (gnomAD no frequency). This sequence change replaces glutamic acid, which is acidic and polar, with aspartic acid, which is acidic and polar, at codon 266 of the OGDH protein (p.Glu266Asp).

NM_002541.4(OGDH):c.798G>T (p.Glu266Asp)

Gene: OGDH (oxoglutarate dehydrogenase; plus strand). Cytogenetic location: 7p13.
Variant type: single nucleotide variant.
Coding change: c.798G>T on transcript NM_002541.4 (MANE Select); coding-DNA position 798, G replaced by T.
Protein change: p.Glu266Asp; replaces glutamic acid 266 with aspartic acid.
Molecular consequence: missense variant.
Genome position (GRCh38, 1-based): chr7:44,674,420, G>T. VCF-style: chr7-44674420-G-T. GRCh37 (hg19) VCF-style: chr7-44714019-G-T.
Other names: c.798G>T, p.Glu266Asp (NM_001003941.3); c.786G>T, p.Glu262Asp (NM_001165036.2); c.831G>T, p.Glu277Asp (NM_001363523.2); short protein forms E262D, E277D, E266D.
Identifiers: ClinVar variation 1388894 (VCV001388894.8), dbSNP rs2116154136, ClinGen allele CA367409617.